The following is an entry in ClinVar:

NM_000368.5(TSC1):c.2392-8_2392-7del

Gene: TSC1 (TSC complex subunit 1; minus strand). Cytogenetic location: 9q34.13.
Variant type: Deletion.
Coding change: c.2392-8_2392-7del on transcript NM_000368.5 (MANE Select); 8 bases into the intron before coding-DNA position 2392 through 7 bases into the intron before coding-DNA position 2392, 2 bases deleted (TT; older notation c.2392-8_2392-7delTT).
Molecular consequence: intron variant.
Genome position (GRCh38, 1-based): chr9:132,901,706-132,901,707, AA deleted on the plus strand (TT on the coding strand, the reverse complement: TSC1 is on the minus strand); deleting any 2 consecutive bases within chr9:132,901,706-132,901,708 gives the same sequence; the c. name uses the placement nearest the transcript's 3' end. VCF-style (leftmost placement, unchanged base first): chr9-132901705-CAA-C. GRCh37 (hg19) VCF-style: chr9-135777092-CAA-C.
Other names: c.2029-8_2029-7del (NM_001362177.2); c.2239-8_2239-7del (NM_001162427.2); c.2389-8_2389-7del (NM_001162426.2); c.2392-8_2392-7delTT (NM_000368.4).
Identifiers: ClinVar variation 466077 (VCV000466077.13), dbSNP rs1554814696, ClinGen allele CA658656064.

ClinVar aggregate classification (germline): Likely benign. Review status: criteria provided, multiple submitters, no conflicts (2 of 4 stars). 4 submissions from 4 submitters: Likely benign (4). Last evaluated 2026-09-25.

Conditions:
TSC1-related disorder. Also called: TSC1-related condition.
Isolated focal cortical dysplasia type II (FCORD2). Also called: CORTICAL DYSPLASIA OF TAYLOR; Focal cortical dysplasia type II. Identifiers: Orphanet 268994, MedGen C1846385, MONDO:0011818, OMIM 607341, HP:0032051.
Tuberous sclerosis 1 (TSC1). Identifiers: Orphanet 805, MedGen C1854465, MONDO:0008612, OMIM 191100.
Lymphangiomyomatosis (LAM). Also called: Lymphangioleiomyomatosis; Lymphangioleiomyomatosis, somatic. Identifiers: Orphanet 538, MedGen C0751674, MONDO:0011705, OMIM 606690.

Submissions (4):

PreventionGenetics, part of Exact Sciences
Classification: Likely benign for TSC1-related condition. Last evaluated: 2026-09-25. Review status: criteria provided, single submitter. Criteria: ACMG Guidelines, 2015. Collection method: clinical testing. Allele origin: germline.
Comment: This variant is classified as likely benign based on ACMG/AMP sequence variant interpretation guidelines (Richards et al. 2015 PMID: 25741868, with internal and published modifications).

Labcorp Genetics (formerly Invitae), Labcorp
Classification: Likely benign for Tuberous sclerosis 1. Last evaluated: 2025-12-03. Review status: criteria provided, single submitter. Criteria: Invitae Variant Classification Sherloc (09022015). Collection method: clinical testing. Allele origin: germline.

Fulgent Genetics
Classification: Likely benign for Tuberous sclerosis 1; Lymphangiomyomatosis; Isolated focal cortical dysplasia type II. Last evaluated: 2021-08-20. Review status: criteria provided, single submitter. Criteria: ACMG Guidelines, 2015. Collection method: clinical testing. Allele origin: unknown.

Blueprint Genetics
Classification: Likely benign. Last evaluated: 2020-10-29. Review status: criteria provided, single submitter. Criteria: ACMG Guidelines, 2015. Collection method: clinical testing. Allele origin: germline.